The following is an entry in ClinVar:

ClinVar aggregate classification (germline): Uncertain significance (1 of 4 stars; one submission).

Submission:

Women's Health and Genetics/Laboratory Corporation of America, LabCorp
Classification: Uncertain significance. Last evaluated: 2024-09-16. Review status: criteria provided, single submitter. Criteria: LabCorp Variant Classification Summary - May 2015. Collection method: clinical testing. Allele origin: germline.
Comment: Variant summary: The variant involves the duplication of exons 1-10 in the ALDH3A2 gene. A presumed nomenclature of c.(?_-222)_(*2025_?)dup has been designated for the purposes of this classification. This duplication includes the entire coding sequence of the gene. As exact breakpoints are unknown, it may extend beyond the annotated region of the gene, to include other flanking genes. The variant was absent in 21694 control chromosomes. The available data on variant occurrences in the general population are insufficient to allow any conclusion about variant significance. To our knowledge, no occurrence of c.(?_-222)_(*2025_?)dup in individuals affected with Sjogren-Larsson Syndrome and no experimental evidence demonstrating its impact on protein function have been reported. No submitters have cited clinical-significance assessments for this variant to ClinVar. Based on the evidence outlined above, the variant was classified as uncertain significance.

NC_000017.10:g.(?_19552063)_(19580910_?)dup

Gene: ALDH3A2 (aldehyde dehydrogenase 3 family member A2; plus strand). Cytogenetic location: 17p11.2.
Variant type: Duplication.
Identifiers: ClinVar variation 3374774 (VCV003374774.1).